The following is an entry in ClinVar:

ClinVar aggregate classification (germline): Pathogenic (1 of 4 stars; one submission).

Conditions:
KBG syndrome (KBGS). Also called: ANKRD11-Related KBG Syndrome. Identifiers: Orphanet 2332, MedGen C0220687, MONDO:0007846, OMIM 148050.

Submission:

Labcorp Genetics (formerly Invitae), Labcorp
Classification: Pathogenic for KBG syndrome. Last evaluated: 2019-10-29. Review status: criteria provided, single submitter. Criteria: Invitae Variant Classification Sherloc (09022015). Collection method: clinical testing. Allele origin: germline.
Comment: This sequence change creates a premature translational stop signal (p.Ser1123*) in the ANKRD11 gene. It is expected to result in an absent or disrupted protein product. This variant is not present in population databases (ExAC no frequency). This variant has not been reported in the literature in individuals with ANKRD11-related conditions. Algorithms developed to predict the effect of sequence changes on RNA splicing suggest that this variant may create or strengthen a splice site, but this prediction has not been confirmed by published transcriptional studies. Loss-of-function variants in ANKRD11 are known to be pathogenic (PMID: 21782149, 25125236, 25413698, 25652421). For these reasons, this variant has been classified as Pathogenic.

NM_013275.6(ANKRD11):c.3367_3368del (p.Glu1122_Ser1123insTer)

Gene: ANKRD11 (ankyrin repeat domain 11; minus strand). Cytogenetic location: 16q24.3.
Variant type: Microsatellite.
Coding change: c.3367_3368del on transcript NM_013275.6 (MANE Select); coding-DNA positions 3367 to 3368, 2 bases deleted (AG; older notation c.3367_3368delAG).
Protein change: p.Glu1122_Ser1123insTer.
Molecular consequence: nonsense.
Genome position (GRCh38, 1-based): chr16:89,283,174-89,283,175, CT deleted on the plus strand (AG on the coding strand, the reverse complement: ANKRD11 is on the minus strand); deleting any 2 consecutive bases within chr16:89,283,174-89,283,178 gives the same sequence; the c. name uses the placement nearest the transcript's 3' end. VCF-style (leftmost placement, unchanged base first): chr16-89283173-ACT-A. GRCh37 (hg19) VCF-style: chr16-89349581-ACT-A.
Other names: c.3367_3368del, p.Glu1122_Ser1123insTer (NM_001256182.2, NM_001256183.2).
Identifiers: ClinVar variation 960807 (VCV000960807.1), dbSNP rs2034404764, ClinGen allele CA658790759.